The following is an entry in ClinVar:

NM_006623.4(PHGDH):c.1379G>A (p.Arg460His)

Gene: PHGDH (phosphoglycerate dehydrogenase; plus strand). Cytogenetic location: 1p12.
Variant type: single nucleotide variant.
Coding change: c.1379G>A on transcript NM_006623.4 (MANE Select); coding-DNA position 1379, G replaced by A.
Protein change: p.Arg460His; replaces arginine 460 with histidine.
Molecular consequence: missense variant.
Genome position (GRCh38, 1-based): chr1:119,742,976, G>A. VCF-style: chr1-119742976-G-A. GRCh37 (hg19) VCF-style: chr1-120285599-G-A.
Other names: c.1379G>A (NM_006623.3); short protein forms R460H.
Identifiers: ClinVar variation 1353635 (VCV001353635.4), dbSNP rs587696887, ClinGen allele CA341853822.

ClinVar aggregate classification (germline): Uncertain significance. Review status: criteria provided, multiple submitters, no conflicts (2 of 4 stars). 2 submissions from 2 submitters: Uncertain significance (2). Last evaluated 2024-09-11.

Conditions:
Inborn genetic diseases. Identifiers: MedGen C0950123, MeSH D030342.
PHGDH deficiency. Identifiers: Orphanet 79351, MedGen C1866174, MONDO:0011152, OMIM 601815.

gnomAD v4.1: 47 of 1,614,032 alleles (0.0029%); highest among the groups gnomAD compares: African/African-American, 0.0067%; no homozygotes.

Submissions (2):

Ambry Genetics
Classification: Uncertain significance for Inborn genetic diseases. Last evaluated: 2024-09-11. Review status: criteria provided, single submitter. Criteria: Ambry Variant Classification Scheme 2023. Collection method: clinical testing. Allele origin: germline.

Labcorp Genetics (formerly Invitae), Labcorp
Classification: Uncertain significance for PHGDH deficiency. Last evaluated: 2022-06-19. Review status: criteria provided, single submitter. Criteria: Invitae Variant Classification Sherloc (09022015). Collection method: clinical testing. Allele origin: germline.
Comment: This sequence change replaces arginine, which is basic and polar, with histidine, which is basic and polar, at codon 460 of the PHGDH protein (p.Arg460His). This variant is present in population databases (no rsID available, gnomAD 0.005%). This variant has not been reported in the literature in individuals affected with PHGDH-related conditions. Algorithms developed to predict the effect of missense changes on protein structure and function output the following: SIFT: "Tolerated"; PolyPhen-2: "Benign"; Align-GVGD: "Class C0". The histidine amino acid residue is found in multiple mammalian species, which suggests that this missense change does not adversely affect protein function. In summary, the available evidence is currently insufficient to determine the role of this variant in disease. Therefore, it has been classified as a Variant of Uncertain Significance.